The following is an entry in ClinVar:

NM_173630.4(RTTN):c.3409A>G (p.Thr1137Ala)

Gene: RTTN (rotatin; minus strand). Cytogenetic location: 18q22.2.
Variant type: single nucleotide variant.
Coding change: c.3409A>G on transcript NM_173630.4 (MANE Select); coding-DNA position 3409, A replaced by G.
Protein change: p.Thr1137Ala; replaces threonine 1137 with alanine.
Molecular consequence: missense variant.
Genome position (GRCh38, 1-based): chr18:70,121,675, T>C on the plus strand (A>G on the coding strand, the complement: RTTN is on the minus strand). VCF-style: chr18-70121675-T-C. GRCh37 (hg19) VCF-style: chr18-67788911-T-C.
Other names: c.673A>G, p.Thr225Ala (NM_001318520.2); c.3409A>G (NM_173630.3); short protein forms T225A, T1137A.
Identifiers: ClinVar variation 2156720 (VCV002156720.5), dbSNP rs777672522, ClinGen allele CA8995593.

ClinVar aggregate classification (germline): Uncertain significance. Review status: criteria provided, multiple submitters, no conflicts (2 of 4 stars). 2 submissions from 2 submitters: Uncertain significance (2). Last evaluated 2025-05-18.

Conditions:
Inborn genetic diseases. Identifiers: MedGen C0950123, MeSH D030342.

Allele frequency attached by ClinVar (database versions not stated): gnomAD exomes 0.00003; ExAC 0.00005; gnomAD 0.00007; TOPMed 0.00008.
gnomAD v4.1: 54 of 1,561,454 alleles (0.0035%); highest among the groups gnomAD compares: East Asian, 0.017%; no homozygotes.

Submissions (2):

Ambry Genetics
Classification: Uncertain significance for Inborn genetic diseases. Last evaluated: 2025-05-18. Review status: criteria provided, single submitter. Criteria: Ambry Variant Classification Scheme 2023. Collection method: clinical testing. Allele origin: germline.

Labcorp Genetics (formerly Invitae), Labcorp
Classification: Uncertain significance. Last evaluated: 2023-11-28. Review status: criteria provided, single submitter. Criteria: Invitae Variant Classification Sherloc (09022015). Collection method: clinical testing. Allele origin: germline.
Comment: This sequence change replaces threonine, which is neutral and polar, with alanine, which is neutral and non-polar, at codon 1137 of the RTTN protein (p.Thr1137Ala). This variant is present in population databases (rs777672522, gnomAD 0.03%). This variant has not been reported in the literature in individuals affected with RTTN-related conditions. ClinVar contains an entry for this variant (Variation ID: 2156720). Advanced modeling of protein sequence and biophysical properties (such as structural, functional, and spatial information, amino acid conservation, physicochemical variation, residue mobility, and thermodynamic stability) performed at Invitae indicates that this missense variant is not expected to disrupt RTTN protein function with a negative predictive value of 80%. In summary, the available evidence is currently insufficient to determine the role of this variant in disease. Therefore, it has been classified as a Variant of Uncertain Significance.